The following is an entry in ClinVar:

NM_012062.5(DNM1L):c.515G>A (p.Arg172Gln)

Gene: DNM1L (dynamin 1 like; plus strand). Cytogenetic location: 12p11.21.
Variant type: single nucleotide variant.
Coding change: c.515G>A on transcript NM_012062.5 (MANE Select); coding-DNA position 515, G replaced by A.
Protein change: p.Arg172Gln; replaces arginine 172 with glutamine.
Molecular consequence: missense variant. On other transcripts: intron variant (1).
Genome position (GRCh38, 1-based): chr12:32,713,267, G>A. VCF-style: chr12-32713267-G-A. GRCh37 (hg19) VCF-style: chr12-32866201-G-A.
Other names: c.515G>A, p.Arg172Gln (NM_001278463.2, NM_005690.5, NM_012063.4); c.554G>A, p.Arg185Gln (NM_001278464.2, NM_001278465.2, NM_001330380.2); c.131+5854G>A (NM_001278466.2); short protein forms R172Q, R185Q.
Identifiers: ClinVar variation 3253549 (VCV003253549.3), dbSNP rs764915133.

ClinVar aggregate classification (germline): Uncertain significance. Review status: criteria provided, multiple submitters, no conflicts (2 of 4 stars). 2 submissions from 2 submitters: Uncertain significance (2). Last evaluated 2025-08-02.

Allele frequency attached by ClinVar (database versions not stated): ExAC 0.00001.
gnomAD v4.1: 36 of 1,613,692 alleles (0.0022%); highest among the groups gnomAD compares: African/African-American, 0.004%; no homozygotes.

Submissions (2):

Labcorp Genetics (formerly Invitae), Labcorp
Classification: Uncertain significance. Last evaluated: 2025-08-02. Review status: criteria provided, single submitter. Criteria: Invitae Variant Classification Sherloc (09022015). Collection method: clinical testing. Allele origin: germline.
Comment: This sequence change replaces arginine, which is basic and polar, with glutamine, which is neutral and polar, at codon 172 of the DNM1L protein (p.Arg172Gln). This variant is present in population databases (rs764915133, gnomAD 0.003%). This variant has not been reported in the literature in individuals affected with DNM1L-related conditions. ClinVar contains an entry for this variant (Variation ID: 3253549). An algorithm developed to predict the effect of missense changes on protein structure and function (PolyPhen-2) suggests that this variant is likely to be tolerated. In summary, the available evidence is currently insufficient to determine the role of this variant in disease. Therefore, it has been classified as a Variant of Uncertain Significance.

GeneDx
Classification: Uncertain significance. Last evaluated: 2024-04-12. Review status: criteria provided, single submitter. Criteria: GeneDx Variant Classification Process June 2021. Collection method: clinical testing. Allele origin: germline. Affected: yes.
Comment: In silico analysis indicates that this missense variant does not alter protein structure/function; Has not been previously published as pathogenic or benign to our knowledge